The following is an entry in ClinVar:

ClinVar aggregate classification (germline): Benign/Likely benign. Review status: criteria provided, multiple submitters, no conflicts (2 of 4 stars). 6 submissions from 6 submitters: Benign (1); Likely benign (5). Last evaluated 2026-05-19.

Conditions:
Hereditary cancer-predisposing syndrome. Also called: Tumor predisposition; Hereditary neoplastic syndrome; Hereditary Cancer Syndrome; Neoplastic Syndromes, Hereditary. Identifiers: Orphanet 140162, MedGen C0027672, MeSH D009386, MONDO:0015356.
Cardiovascular phenotype. Identifiers: MedGen CN230736.
Neurofibromatosis, type 1 (NF1). Also called: Neurofibromatosis, type I; VON RECKLINGHAUSEN DISEASE; Peripheral type neurofibromatosis; NEUROFIBROMATOSIS, TYPE I, SOMATIC. Identifiers: Orphanet 636, MedGen C0027831, MONDO:0018975, OMIM 162200. Disease mechanism: loss of function.

Allele frequency attached by ClinVar (database versions not stated): gnomAD exomes 0.00001; gnomAD 0.00002; TOPMed 0.00002.
gnomAD v4.1: 17 of 1,612,314 alleles (0.0011%); highest among the groups gnomAD compares: Non-Finnish European, 0.0014%; no homozygotes.

Submissions (6):

Myriad Genetics, Inc.
Classification: Benign for Neurofibromatosis, type 1. Last evaluated: 2026-05-19. Review status: criteria provided, single submitter. Criteria: Myriad Autosomal Dominant, Autosomal Recessive and X-Linked Classification Criteria (2023). Collection method: clinical testing. Allele origin: unknown.
Comment: This variant is considered benign. This variant is a silent/synonymous amino acid change and it is not expected to impact splicing.

CeGaT Center for Human Genetics Tuebingen
Classification: Likely benign. Last evaluated: 2025-08-01. Review status: criteria provided, single submitter. Criteria: CeGaT Center For Human Genetics Tuebingen Variant Classification Criteria Version 2. Collection method: clinical testing. Allele origin: germline. Affected: yes. Observed: 1 variant allele.
Comment: NF1: BP4, BP7

Labcorp Genetics (formerly Invitae), Labcorp
Classification: Likely benign for Neurofibromatosis, type 1. Last evaluated: 2025-04-29. Review status: criteria provided, single submitter. Criteria: Invitae Variant Classification Sherloc (09022015). Collection method: clinical testing. Allele origin: germline.

Blueprint Genetics
Classification: Likely benign. Last evaluated: 2022-12-19. Review status: criteria provided, single submitter. Criteria: ACMG Guidelines, 2015. Collection method: clinical testing. Allele origin: germline.

Genome-Nilou Lab
Classification: Likely benign for Neurofibromatosis, type 1. Last evaluated: 2022-03-15. Review status: criteria provided, single submitter. Criteria: ACMG Guidelines, 2015. Collection method: clinical testing. Allele origin: germline. Affected: no.

Ambry Genetics
Classification: Likely benign for Cardiovascular phenotype; Hereditary cancer-predisposing syndrome. Last evaluated: 2015-08-03. Review status: criteria provided, single submitter. Criteria: Ambry General Variant Classification Scheme_2022. Collection method: clinical testing. Allele origin: germline. Observed: 1 variant allele.

NM_001042492.3(NF1):c.4632A>G (p.Ala1544=)

Gene: NF1 (neurofibromin 1; plus strand). Cytogenetic location: 17q11.2.
Variant type: single nucleotide variant.
Coding change: c.4632A>G on transcript NM_001042492.3 (MANE Select); coding-DNA position 4632, A replaced by G.
Protein change: p.Ala1544=; no amino-acid change (alanine 1544 retained).
Molecular consequence: synonymous variant.
Genome position (GRCh38, 1-based): chr17:31,261,765, A>G. VCF-style: chr17-31261765-A-G. GRCh37 (hg19) VCF-style: chr17-29588783-A-G.
Other names: c.4569A>G, p.Ala1523= (NM_000267.4).
Identifiers: ClinVar variation 412970 (VCV000412970.61), dbSNP rs781741727, ClinGen allele CA16615243.